The following is an entry in ClinVar:

NM_002471.4(MYH6):c.4991G>A (p.Arg1664His)

Genes: MYH6 (myosin heavy chain 6; minus strand), LOC126861896 (BRD4-independent group 4 enhancer GRCh37_chr14:23854904-23856103; plus strand). Cytogenetic location: 14q11.2.
Variant type: single nucleotide variant.
Coding change: c.4991G>A on transcript NM_002471.4 (MANE Select); coding-DNA position 4991, G replaced by A.
Protein change: p.Arg1664His; replaces arginine 1664 with histidine.
Molecular consequence: missense variant.
Genome position (GRCh38, 1-based): chr14:23,386,100, C>T on the plus strand (G>A on the coding strand, the complement: MYH6 is on the minus strand). VCF-style: chr14-23386100-C-T. GRCh37 (hg19) VCF-style: chr14-23855309-C-T.
Other names: short protein forms R1664H.
Identifiers: ClinVar variation 407143 (VCV000407143.20), dbSNP rs778287981, ClinGen allele CA7114576.

ClinVar aggregate classification (germline): Conflicting classifications of pathogenicity. Review status: criteria provided, conflicting classifications (1 of 4 stars). 6 submissions from 6 submitters: Uncertain significance (5); Likely benign (1). Last evaluated 2026-01-15.

Conditions:
Cardiovascular phenotype. Identifiers: MedGen CN230736.
Dilated cardiomyopathy 1EE (CMD1EE). Identifiers: Orphanet 154, MedGen C2750466, MONDO:0013198, OMIM 613252.
Hypertrophic cardiomyopathy 1 (CMH1). Also called: MYH7-Related Familial Hypertrophic Cardiomyopathy; Familial hypertrophic cardiomyopathy 1. Identifiers: MedGen C3495498, MONDO:0008647, OMIM 192600.
Atrial septal defect 3 (ASD3). Identifiers: Orphanet 1478, MedGen C3279790, MONDO:0013567, OMIM 614089.
Sick sinus syndrome 3, susceptibility to (SSS3). Identifiers: Orphanet 166282, MedGen C3279791, MONDO:0013568, OMIM 614090.
Hypertrophic cardiomyopathy 14. Identifiers: MedGen C2750467, MONDO:0013197, OMIM 613251.
Cardiomyopathy (CMYO). Also called: Cardiomyopathies. Identifiers: Orphanet 167848, MedGen C0878544, MONDO:0004994, HP:0001638. Inheritance: Various modes of inheritance.

Allele frequency attached by ClinVar (database versions not stated): ExAC 0.00001; gnomAD exomes 0.00002; gnomAD 0.00006; TOPMed 0.00012.
gnomAD v4.1: 47 of 1,614,098 alleles (0.0029%); highest among the groups gnomAD compares: Admixed American, 0.012%; no homozygotes.

Submissions (6):

Labcorp Genetics (formerly Invitae), Labcorp
Classification: Uncertain significance for Hypertrophic cardiomyopathy 14. Last evaluated: 2026-01-15. Review status: criteria provided, single submitter. Criteria: Invitae Variant Classification Sherloc (09022015). Collection method: clinical testing. Allele origin: germline.
Comment: This sequence change replaces arginine, which is basic and polar, with histidine, which is basic and polar, at codon 1664 of the MYH6 protein (p.Arg1664His). This variant is present in population databases (rs778287981, gnomAD 0.03%). This variant has not been reported in the literature in individuals affected with MYH6-related conditions. ClinVar contains an entry for this variant (Variation ID: 407143). Invitae Evidence Modeling of protein sequence and biophysical properties (such as structural, functional, and spatial information, amino acid conservation, physicochemical variation, residue mobility, and thermodynamic stability) indicates that this missense variant is not expected to disrupt MYH6 protein function with a negative predictive value of 80%. In summary, the available evidence is currently insufficient to determine the role of this variant in disease. Therefore, it has been classified as a Variant of Uncertain Significance.

GeneDx
Classification: Uncertain significance. Last evaluated: 2024-09-03. Review status: criteria provided, single submitter. Criteria: GeneDx Variant Classification Process June 2021. Collection method: clinical testing. Allele origin: germline. Affected: yes.
Comment: Has not been previously published as pathogenic or benign to our knowledge; In silico analysis indicates that this missense variant does not alter protein structure/function

Ambry Genetics
Classification: Likely benign for Cardiovascular phenotype. Last evaluated: 2022-04-12. Review status: criteria provided, single submitter. Criteria: Ambry Variant Classification Scheme 2023. Collection method: clinical testing. Allele origin: germline.

Fulgent Genetics
Classification: Uncertain significance for Hypertrophic cardiomyopathy 1; Hypertrophic cardiomyopathy 14; Dilated cardiomyopathy 1EE; Atrial septal defect 3; Sick sinus syndrome 3, susceptibility to. Last evaluated: 2021-09-06. Review status: criteria provided, single submitter. Criteria: ACMG Guidelines, 2015. Collection method: clinical testing. Allele origin: unknown.

Revvity Omics, Revvity
Classification: Uncertain significance. Last evaluated: 2021-02-01. Review status: criteria provided, single submitter. Criteria: ACMG Guidelines, 2015. Collection method: clinical testing. Allele origin: germline.

CHEO Genetics Diagnostic Laboratory, Children's Hospital of Eastern Ontario
Classification: Uncertain significance for Cardiomyopathy. Last evaluated: 2020-12-08. Review status: criteria provided, single submitter. Criteria: ACMG Guidelines, 2015. Collection method: clinical testing. Allele origin: germline.